The following is an entry in ClinVar:

ClinVar aggregate classification (germline): Uncertain significance (1 of 4 stars; one submission).

Conditions:
Dilated Cardiomyopathy, Recessive.

Allele frequency attached by ClinVar (database versions not stated): gnomAD exomes below 0.00001.
gnomAD v4.1: 2 of 1,608,670 alleles (0.00012%); highest among the groups gnomAD compares: East Asian, 0.0022%; no homozygotes.

Submission:

Labcorp Genetics (formerly Invitae), Labcorp
Classification: Uncertain significance. Last evaluated: 2024-04-29. Review status: criteria provided, single submitter. Criteria: Invitae Variant Classification Sherloc (09022015). Collection method: clinical testing. Allele origin: germline.
Comment: This sequence change replaces glycine, which is neutral and non-polar, with arginine, which is basic and polar, at codon 968 of the PLEKHM2 protein (p.Gly968Arg). This variant is not present in population databases (gnomAD no frequency). This variant has not been reported in the literature in individuals affected with PLEKHM2-related conditions. ClinVar contains an entry for this variant (Variation ID: 1979413). An algorithm developed to predict the effect of missense changes on protein structure and function (PolyPhen-2) suggests that this variant¬†is likely to be tolerated. In summary, the available evidence is currently insufficient to determine the role of this variant in disease. Therefore, it has been classified as a Variant of Uncertain Significance.

NM_015164.4(PLEKHM2):c.2902G>C (p.Gly968Arg)

Gene: PLEKHM2 (pleckstrin homology and RUN domain containing M2; plus strand). Cytogenetic location: 1p36.21.
Variant type: single nucleotide variant.
Coding change: c.2902G>C on transcript NM_015164.4 (MANE Select); coding-DNA position 2902, G replaced by C.
Protein change: p.Gly968Arg; replaces glycine 968 with arginine.
Molecular consequence: missense variant.
Genome position (GRCh38, 1-based): chr1:15,732,708, G>C. VCF-style: chr1-15732708-G-C. GRCh37 (hg19) VCF-style: chr1-16059203-G-C.
Other names: c.2842G>C, p.Gly948Arg (NM_001410755.1); short protein forms G948R, G968R.
Identifiers: ClinVar variation 1979413 (VCV001979413.3), dbSNP rs908837781, ClinGen allele CA18268941.